The following is an entry in ClinVar:

ClinVar aggregate classification (germline): Uncertain significance. Review status: criteria provided, single submitter (1 of 4 stars). 2 submissions from 2 submitters: Uncertain significance (1). 1 of the submissions does not count toward it. Last evaluated 2024-08-21.

Conditions:
PCNT-related disorder. Also called: PCNT-related condition.

gnomAD v4.1: 2 of 1,614,078 alleles (0.00012%); highest among the groups gnomAD compares: Admixed American, 0.0017%; no homozygotes.

Submissions (2):

Labcorp Genetics (formerly Invitae), Labcorp
Classification: Uncertain significance. Last evaluated: 2024-08-21. Review status: criteria provided, single submitter. Criteria: Invitae Variant Classification Sherloc (09022015). Collection method: clinical testing. Allele origin: germline.
Comment: This sequence change replaces arginine, which is basic and polar, with histidine, which is basic and polar, at codon 2888 of the PCNT protein (p.Arg2888His). This variant is not present in population databases (gnomAD no frequency). This variant has not been reported in the literature in individuals affected with PCNT-related conditions. An algorithm developed to predict the effect of missense changes on protein structure and function outputs the following: PolyPhen-2: "Possibly Damaging". The histidine amino acid residue is found in multiple mammalian species, which suggests that this missense change does not adversely affect protein function. In summary, the available evidence is currently insufficient to determine the role of this variant in disease. Therefore, it has been classified as a Variant of Uncertain Significance.

PreventionGenetics, part of Exact Sciences
Classification: Uncertain significance for PCNT-related condition. Last evaluated: 2024-02-15. Review status: no assertion criteria provided. Collection method: clinical testing. Allele origin: germline. Not counted in ClinVar's aggregate classification.
Comment: The PCNT c.8663G>A variant is predicted to result in the amino acid substitution p.Arg2888His. To our knowledge, this variant has not been reported in the literature or in a large population database, indicating this variant is rare. At this time, the clinical significance of this variant is uncertain due to the absence of conclusive functional and genetic evidence.

NM_006031.6(PCNT):c.8663G>A (p.Arg2888His)

Gene: PCNT (pericentrin; plus strand). Cytogenetic location: 21q22.3.
Variant type: single nucleotide variant.
Coding change: c.8663G>A on transcript NM_006031.6 (MANE Select); coding-DNA position 8663, G replaced by A.
Protein change: p.Arg2888His; replaces arginine 2888 with histidine.
Molecular consequence: missense variant. On other transcripts: intron variant (1).
Genome position (GRCh38, 1-based): chr21:46,432,127, G>A. VCF-style: chr21-46432127-G-A. GRCh37 (hg19) VCF-style: chr21-47852041-G-A.
Other names: c.8160+149G>A (NM_001315529.2); short protein forms R2888H.
Identifiers: ClinVar variation 3354618 (VCV003354618.3).
Genomic context (GRCh38, chr21:46,432,127, plus strand): 5'-CAGCGTGGTTGCAGGCAGAATTAGAGCAGTCACACCCACGGTTGAAAGAGCAAGAAGGAC[G>A]CAAGGCTGCGAGGAGGAGCGCGGAGGCCAGGCAGAGCCCAGCGGCTGCGGAGCAGTGGAG-3'
Protein context (NP_006022.3, residues 2878-2898): SHPRLKEQEG[Arg2888His]KAARRSAEAR